The following is an entry in ClinVar:

ClinVar aggregate classification (germline): Uncertain significance. Review status: criteria provided, multiple submitters, no conflicts (2 of 4 stars). 7 submissions from 7 submitters: Uncertain significance (7). Last evaluated 2025-12-17.

Conditions:
Familial melanoma. Also called: Hereditary melanoma; Hereditary cutaneous melanoma. Identifiers: Orphanet 618, MedGen C1512419, MONDO:0018961.
Hereditary cancer-predisposing syndrome. Also called: Tumor predisposition; Hereditary Cancer Syndrome; Neoplastic Syndromes, Hereditary; Hereditary neoplastic syndrome. Identifiers: Orphanet 140162, MedGen C0027672, MeSH D009386, MONDO:0015356.
Melanoma and neural system tumor syndrome. Also called: MELANOMA-ASTROCYTOMA SYNDROME. Identifiers: Orphanet 252206, MedGen C1835042, MONDO:0007967, OMIM 155755.

Allele frequency attached by ClinVar (database versions not stated): TOPMed below 0.00001; gnomAD 0.00001.
gnomAD v4.1: 7 of 1,612,882 alleles (0.00043%); highest among the groups gnomAD compares: Admixed American, 0.0017%; no homozygotes.

Submissions (7):

Labcorp Genetics (formerly Invitae), Labcorp
Classification: Uncertain significance for Familial melanoma. Last evaluated: 2025-12-17. Review status: criteria provided, single submitter. Criteria: Invitae Variant Classification Sherloc (09022015). Collection method: clinical testing. Allele origin: germline.
Comment: This sequence change replaces alanine, which is neutral and non-polar, with threonine, which is neutral and polar, at codon 36 of the CDKN2A (p16INK4a) protein (p.Ala36Thr). This variant is not present in population databases (gnomAD no frequency). This missense change has been observed in individual(s) with melanoma (PMID: 17055252, 19799798, 21462282). ClinVar contains an entry for this variant (Variation ID: 489863). An algorithm developed to predict the effect of missense changes on protein structure and function outputs the following: PolyPhen-2: "Benign". The threonine amino acid residue is found in multiple mammalian species, which suggests that this missense change does not adversely affect protein function. In summary, the available evidence is currently insufficient to determine the role of this variant in disease. Therefore, it has been classified as a Variant of Uncertain Significance.

Baylor Genetics
Classification: Uncertain significance for Melanoma and neural system tumor syndrome. Last evaluated: 2023-11-22. Review status: criteria provided, single submitter. Criteria: ACMG Guidelines, 2015. Collection method: clinical testing. Allele origin: unknown.

Ambry Genetics
Classification: Uncertain significance for Hereditary cancer-predisposing syndrome. Last evaluated: 2023-11-21. Review status: criteria provided, single submitter. Criteria: Ambry Variant Classification Scheme 2023. Collection method: clinical testing. Allele origin: germline.
Comment: The p.A36T variant (also known as c.106G>A), located in coding exon 1 of the CDKN2A gene, results from a G to A substitution at nucleotide position 106. The alanine at codon 36 is replaced by threonine, an amino acid with similar properties. This alteration has been reported in both sporadic and familial melanoma probands (Casula M et al. Eur. J. Cancer 2007 Jan;43(1):137-43; Miller PJ et al. Hum. Mutat. 2011 Aug;32(8):900-11; Dalmasso B et al. J Am Acad Dermatol, 2019 May;80:1263-1271). This amino acid position is not well conserved in available vertebrate species. In addition, this alteration is predicted to be tolerated by in silico analysis. Since supporting evidence is limited at this time, the clinical significance of this alteration remains unclear.

Color Diagnostics, LLC DBA Color Health
Classification: Uncertain significance for Hereditary cancer-predisposing syndrome. Last evaluated: 2022-12-15. Review status: criteria provided, single submitter. Criteria: ACMG Guidelines, 2015. Collection method: clinical testing. Allele origin: germline.
Comment: The CDKN2A locus encodes two different gene products, p16INK4a and p14ARF. This missense variant replaces alanine with threonine at codon 36 of the CDKN2A-p16INK4A protein. Computational prediction suggests that this variant may not impact protein structure and function (internally defined REVEL score threshold <= 0.5, PMID: 27666373). To our knowledge, functional studies have not been reported for this variant. This variant has been reported in several individuals affected with melanoma (PMID: 19799798, 21462282). This variant has not been identified in the general population by the Genome Aggregation Database (gnomAD). The available evidence is insufficient to determine the role of this variant in disease conclusively. Therefore, this variant is classified as a Variant of Uncertain Significance.

Quest Diagnostics Nichols Institute San Juan Capistrano
Classification: Uncertain significance. Last evaluated: 2021-06-29. Review status: criteria provided, single submitter. Criteria: Quest Diagnostics criteria. Collection method: clinical testing. Allele origin: unknown.

GeneDx
Classification: Uncertain significance. Last evaluated: 2020-10-05. Review status: criteria provided, single submitter. Criteria: GeneDx Variant Classification Process June 2021. Collection method: clinical testing. Allele origin: germline. Affected: yes.
Comment: Not observed in large population cohorts (Lek 2016); In silico analysis supports that this missense variant does not alter protein structure/function; This variant is associated with the following publications: (PMID: 30274933, 31382929, 21462282, 22614978, 19799798, 17055252, 9132280)

Women's Health and Genetics/Laboratory Corporation of America, LabCorp
Classification: Uncertain significance. Last evaluated: 2020-01-14. Review status: criteria provided, single submitter. Criteria: LabCorp Variant Classification Summary - May 2015. Collection method: clinical testing. Allele origin: germline.
Comment: Variant summary: CDKN2A c.106G>A (p.Ala36Thr) results in a non-conservative amino acid change in the encoded protein sequence. Four of five in-silico tools predict a benign effect of the variant on protein function. The variant was absent in 244176 control chromosomes. The available data on variant occurrences in the general population are insufficient to allow any conclusion about variant significance. c.106G>A has been reported in the literature in individuals affected with melanoma (Casula_2004, Casula_2007, Dalmasso_2019, Casula_2019). These reports do not provide unequivocal conclusions about association of the variant with Cutaneous Malignant Melanoma. To our knowledge, no experimental evidence demonstrating an impact on protein function has been reported. Two clinical diagnostic laboratories have submitted clinical-significance assessments for this variant to ClinVar after 2014 without evidence for independent evaluation. Both laboratories classified the variant as uncertain significance. Based on the evidence outlined above, the variant was classified as uncertain significance.

Literature cited by the submitters: PubMed 17055252 (cited by Labcorp Genetics (formerly Invitae), Labcorp and Women's Health and Genetics/Laboratory Corporation of America, LabCorp); PubMed 19799798 (cited by 3 submitters); PubMed 21462282 (cited by Labcorp Genetics (formerly Invitae), Labcorp and Color Diagnostics, LLC DBA Color Health); PubMed 30274933 (cited by 3 submitters); PubMed 14722037 (cited by Quest Diagnostics Nichols Institute San Juan Capistrano and Women's Health and Genetics/Laboratory Corporation of America, LabCorp); PubMed 31382929 (cited by Quest Diagnostics Nichols Institute San Juan Capistrano and Women's Health and Genetics/Laboratory Corporation of America, LabCorp).

NM_000077.5(CDKN2A):c.106G>A (p.Ala36Thr)

Gene: CDKN2A (cyclin dependent kinase inhibitor 2A; minus strand). Cytogenetic location: 9p21.3.
Variant type: single nucleotide variant.
Coding change: c.106G>A on transcript NM_000077.5; coding-DNA position 106, G replaced by A.
Protein change: p.Ala36Thr; replaces alanine 36 with threonine.
Molecular consequence: missense variant (on NM_000077.6). On other transcripts: intron variant (2).
Genome position (GRCh38, 1-based): chr9:21,974,722, C>T on the plus strand (G>A on the coding strand, the complement: CDKN2A is on the minus strand). VCF-style: chr9-21974722-C-T. GRCh37 (hg19) VCF-style: chr9-21974721-C-T.
Other names: c.106G>A, p.Ala36Thr (NM_000077.6, NM_001195132.2, NM_058197.5); c.-3-3514G>A (NM_001363763.2); c.194-3514G>A (NM_058195.4); short protein forms A36T.
Identifiers: ClinVar variation 489863 (VCV000489863.23), dbSNP rs777948908, ClinGen allele CA373086555.